The following is an entry in ClinVar:

ClinVar aggregate classification (germline): Conflicting classifications of pathogenicity. Review status: criteria provided, conflicting classifications (1 of 4 stars). 2 submissions from 2 submitters: Uncertain significance (1); Likely benign (1). Last evaluated 2026-02-01.

Conditions:
Atrial fibrillation, familial, 14 (ATFB14). Identifiers: MedGen C3809312, MONDO:0014156, OMIM 615378.
Cardiovascular phenotype. Identifiers: MedGen CN230736.

Allele frequency attached by ClinVar (database versions not stated): gnomAD 0.00001; TOPMed 0.00003; gnomAD exomes 0.00004 and 0.00007; ExAC 0.00005.
gnomAD v4.1: 23 of 1,614,090 alleles (0.0014%); highest among the groups gnomAD compares: Admixed American, 0.037%; no homozygotes.

Submissions (2):

Labcorp Genetics (formerly Invitae), Labcorp
Classification: Uncertain significance for Atrial fibrillation, familial, 14. Last evaluated: 2026-02-01. Review status: criteria provided, single submitter. Criteria: Invitae Variant Classification Sherloc (09022015). Collection method: clinical testing. Allele origin: germline.
Comment: This sequence change replaces arginine, which is basic and polar, with glycine, which is neutral and non-polar, at codon 115 of the SCN2B protein (p.Arg115Gly). This variant is present in population databases (rs758238682, gnomAD 0.05%), and has an allele count higher than expected for a pathogenic variant. This variant has not been reported in the literature in individuals affected with SCN2B-related conditions. ClinVar contains an entry for this variant (Variation ID: 1427799). An algorithm developed to predict the effect of missense changes on protein structure and function (PolyPhen-2) suggests that this variant is likely to be tolerated. In summary, the available evidence is currently insufficient to determine the role of this variant in disease. Therefore, it has been classified as a Variant of Uncertain Significance.

Ambry Genetics
Classification: Likely benign for Cardiovascular phenotype. Last evaluated: 2022-12-11. Review status: criteria provided, single submitter. Criteria: Ambry Variant Classification Scheme 2023. Collection method: clinical testing. Allele origin: germline.

NM_004588.5(SCN2B):c.343A>G (p.Arg115Gly)

Gene: SCN2B (sodium voltage-gated channel beta subunit 2; minus strand). Cytogenetic location: 11q23.3.
Variant type: single nucleotide variant.
Coding change: c.343A>G on transcript NM_004588.5 (MANE Select); coding-DNA position 343, A replaced by G.
Protein change: p.Arg115Gly; replaces arginine 115 with glycine.
Molecular consequence: missense variant.
Genome position (GRCh38, 1-based): chr11:118,168,190, T>C on the plus strand (A>G on the coding strand, the complement: SCN2B is on the minus strand). VCF-style: chr11-118168190-T-C. GRCh37 (hg19) VCF-style: chr11-118038905-T-C.
Other names: c.343A>G (NM_004588.4); short protein forms R115G.
Identifiers: ClinVar variation 1427799 (VCV001427799.7), dbSNP rs758238682, ClinGen allele CA6300479.